The following is an entry in ClinVar:

ClinVar aggregate classification (germline): Likely pathogenic. Review status: reviewed by expert panel (3 of 4 stars). 6 submissions from 6 submitters: Likely pathogenic (1). 5 of the submissions do not count toward it. Last evaluated 2023-09-26.

Conditions:
Very long chain acyl-CoA dehydrogenase deficiency (ACADVLD). Also called: Very Long-Chain Acyl-Coenzyme A Dehydrogenase Deficiency; VLCAD Deficiency. Identifiers: Orphanet 26793, MedGen C3887523, MONDO:0008723, OMIM 201475.

Submissions (6):

ClinGen ACADVL Variant Curation Expert Panel, ClinGen
Classification: Likely pathogenic for Very long chain acyl-CoA dehydrogenase deficiency. Last evaluated: 2023-09-26. Review status: reviewed by expert panel. Criteria: clingen acadvl acmg specifications v1. Collection method: curation. Allele origin: germline. Inheritance: Autosomal recessive inheritance.
Comment: The c.856_857del (p.Arg286fs)(NM_000018.4) variant in ACADVL is a frameshift variant predicted to cause a premature stop codon in biologically-relevant-exon 9/20 leading to nonsense mediated decay in a gene in which loss-of-function is an established disease mechanism (PVS1; PMIDs 9973285, 11590124). At least one individual with this variant was identified by newborn screen, but this information is insufficient to use toward classification (PMID: 26385305). This variant is absent from gnomAD v2.1.1 (PM2_Supporting). In summary, this variant meets the criteria to be classified as likely pathogenic for autosomal recessive very long chain acyl-CoA dehydrogenase (VLCAD) deficiency based on the ACMG/AMP criteria applied, as specified by the ClinGen ACADVL Variant Curation Expert Panel: PVS1, PM2_Suporting (ACADVL VCEP specifications version 1; approved November 9, 2021).

Labcorp Genetics (formerly Invitae), Labcorp
Classification: Pathogenic for Very long chain acyl-CoA dehydrogenase deficiency. Last evaluated: 2026-01-18. Review status: criteria provided, single submitter. Criteria: Invitae Variant Classification Sherloc (09022015). Collection method: clinical testing. Allele origin: germline. Not counted in ClinVar's aggregate classification.
Comment: This sequence change creates a premature translational stop signal (p.Arg286Glyfs*11) in the ACADVL gene. It is expected to result in an absent or disrupted protein product. Loss-of-function variants in ACADVL are known to be pathogenic (PMID: 9973285, 11590124). This variant is not present in population databases (gnomAD no frequency). This premature translational stop signal has been observed in individual(s) with a positive newborn screening result for ACADVL-related disease (PMID: 26385305). ClinVar contains an entry for this variant (Variation ID: 932846). For these reasons, this variant has been classified as Pathogenic.

Natera, Inc.
Classification: Likely pathogenic for Very long chain acyl-CoA dehydrogenase deficiency. Last evaluated: 2025-08-25. Review status: criteria provided, single submitter. Criteria: Natera Variant Classification Schema (03/2026). Collection method: clinical testing. Allele origin: germline. Not counted in ClinVar's aggregate classification.
Comment: The c.856_857delAG variant in ACADVL is a frameshift variant predicted to shift the reading frame beginning at codon 286 and leads to a stop codon 11 codons downstream. This variant is expected to result in nonsense mediated decay, truncation, or a dysfunctional protein product. This variant is rare in the general population with a frequency below the threshold expected for the associated phenotype(s). Given the available evidence, this variant is classified as Likely Pathogenic.

Myriad Genetics, Inc.
Classification: Pathogenic for Very long chain acyl-CoA dehydrogenase deficiency. Last evaluated: 2023-10-30. Review status: criteria provided, single submitter. Criteria: Myriad Autosomal Dominant, Autosomal Recessive and X-Linked Classification Criteria (2023). Collection method: clinical testing. Allele origin: unknown. Not counted in ClinVar's aggregate classification.
Comment: NM_000018.3(ACADVL):c.856_857delAG(R286Gfs*11) is expected to be pathogenic in the context of very-long-chain acyl-CoA dehydrogenase deficiency. This variant is predicted to lead to an abnormal or absent protein product due to the creation of a premature termination codon in ACADVL, a gene where loss-of-function variants are known to be pathogenic. Please note: this variant was assessed in the context of healthy population screening.

Revvity Omics, Revvity
Classification: Pathogenic for Very long chain acyl-CoA dehydrogenase deficiency. Last evaluated: 2020-09-23. Review status: criteria provided, single submitter. Criteria: ACMG Guidelines, 2015. Collection method: clinical testing. Allele origin: germline. Not counted in ClinVar's aggregate classification.

Wong Mito Lab, Molecular and Human Genetics, Baylor College of Medicine
Classification: Pathogenic for Very long chain acyl-CoA dehydrogenase deficiency. Last evaluated: 2019-11-01. Review status: criteria provided, single submitter. Criteria: ACMG Guidelines, 2015. Collection method: clinical testing. Allele origin: germline. Not counted in ClinVar's aggregate classification.
Comment: The NM_000018.3:c.856_857delAG (NP_000009.1:p.Arg286GlyfsTer11) [GRCH38: NC_000017.11:g.7222280_7222281del] variant in ACADVL gene is interpretated to be Pathogenic based on ACMG guidelines (PMID: 25741868). This variant has been reported. This variant meets the following evidence codes reported in the ACMG guidelines: PVS1, PS3

Literature cited by the submitters: PubMed 9973285 (cited by Labcorp Genetics (formerly Invitae), Labcorp); PubMed 11590124 (cited by Labcorp Genetics (formerly Invitae), Labcorp); PubMed 26385305 (cited by Labcorp Genetics (formerly Invitae), Labcorp).

NM_000018.4(ACADVL):c.856_857del (p.Arg286fs)

Gene: ACADVL (acyl-CoA dehydrogenase very long chain; plus strand). Cytogenetic location: 17p13.1.
Variant type: Microsatellite.
Coding change: c.856_857del on transcript NM_000018.4 (MANE Select); coding-DNA positions 856 to 857, 2 bases deleted (AG; older notation c.856_857delAG).
Protein change: p.Arg286fs; shifts the reading frame from arginine 286.
Molecular consequence: frameshift variant.
Genome position (GRCh38, 1-based): chr17:7,222,280-7,222,281, AG deleted; deleting any 2 consecutive bases within chr17:7,222,277-7,222,281 gives the same sequence; the c. name uses the placement nearest the transcript's 3' end. VCF-style (leftmost placement, unchanged base first): chr17-7222276-GGA-G. GRCh37 (hg19) VCF-style: chr17-7125595-GGA-G.
Other names: NM_000018.4(ACADVL):c.856_857del; p.Arg286fs; c.856_857delAG (NM_000018.3); c.790_791del, p.Arg264fs (NM_001033859.3); c.925_926del, p.Arg309fs (NM_001270447.2); c.628_629del, p.Arg210fs (NM_001270448.2); short protein forms R210fs, R286fs, R264fs, R309fs.
Identifiers: ClinVar variation 932846 (VCV000932846.15), dbSNP rs2071269046, ClinGen allele CA2245701484.